The following is an entry in ClinVar:

NM_001171.6(ABCC6):c.4104C>T (p.Asp1368=)

Gene: ABCC6 (ATP binding cassette subfamily C member 6; minus strand). Cytogenetic location: 16p13.11.
Variant type: single nucleotide variant.
Coding change: c.4104C>T on transcript NM_001171.6 (MANE Select); coding-DNA position 4104, C replaced by T.
Protein change: p.Asp1368=; no amino-acid change (aspartic acid 1368 retained).
Molecular consequence: synonymous variant. On other transcripts: non-coding transcript variant (1).
Genome position (GRCh38, 1-based): chr16:16,154,732, G>A on the plus strand (C>T on the coding strand, the complement: ABCC6 is on the minus strand). VCF-style: chr16-16154732-G-A. GRCh37 (hg19) VCF-style: chr16-16248589-G-A.
Other names: c.3762C>T, p.Asp1254= (NM_001351800.1); c.4104C>T (NM_001171.5).
Identifiers: ClinVar variation 1562830 (VCV001562830.33), dbSNP rs199668617, ClinGen allele CA7925311.

ClinVar aggregate classification (germline): Likely benign. Review status: criteria provided, multiple submitters, no conflicts (2 of 4 stars). 4 submissions from 4 submitters: Likely benign (4). Last evaluated 2026-02-14.

Conditions:
ABCC6-related disorder. Also called: ABCC6-related condition.

Allele frequency attached by ClinVar (database versions not stated): ExAC 0.00007; gnomAD 0.00008; gnomAD exomes 0.00009; ESP Exome Variant Server 0.00015; 1000 Genomes Project 30x 0.00016; 1000 Genomes Project 0.00020.
gnomAD v4.1: 251 of 1,613,218 alleles (0.016%); highest among the groups gnomAD compares: Non-Finnish European, 0.02%; 1 homozygote.

Submissions (4):

PreventionGenetics, part of Exact Sciences
Classification: Likely benign for ABCC6-related condition. Last evaluated: 2026-02-14. Review status: criteria provided, single submitter. Criteria: ACMG Guidelines, 2015. Collection method: clinical testing. Allele origin: germline.
Comment: This variant is classified as likely benign based on ACMG/AMP sequence variant interpretation guidelines (Richards et al. 2015 PMID: 25741868, with internal and published modifications).

Labcorp Genetics (formerly Invitae), Labcorp
Classification: Likely benign. Last evaluated: 2026-01-18. Review status: criteria provided, single submitter. Criteria: Invitae Variant Classification Sherloc (09022015). Collection method: clinical testing. Allele origin: germline.

CeGaT Center for Human Genetics Tuebingen
Classification: Likely benign. Last evaluated: 2025-07-01. Review status: criteria provided, single submitter. Criteria: CeGaT Center For Human Genetics Tuebingen Variant Classification Criteria Version 2. Collection method: clinical testing. Allele origin: germline. Affected: yes. Observed: 2 variant alleles.
Comment: ABCC6: BP4, BP7

Blueprint Genetics
Classification: Likely benign. Last evaluated: 2024-09-04. Review status: criteria provided, single submitter. Criteria: ACMG Guidelines, 2015. Collection method: clinical testing. Allele origin: germline.